The following is an entry in ClinVar:

ClinVar aggregate classification (germline): Uncertain significance. Review status: criteria provided, multiple submitters, no conflicts (2 of 4 stars). 4 submissions from 4 submitters: Uncertain significance (4). Last evaluated 2024-08-08.

Conditions:
Autosomal recessive osteopetrosis 2. Also called: OSTEOPETROSIS, MILD AUTOSOMAL RECESSIVE FORM. Identifiers: Orphanet 667, MedGen C1850126, MONDO:0009816, OMIM 259710.

Allele frequency attached by ClinVar (database versions not stated): gnomAD 0.00001 and 0.00003; TOPMed 0.00008; 1000 Genomes Project 30x 0.00016; 1000 Genomes Project 0.00020.
gnomAD v4.1: 61 of 1,613,518 alleles (0.0038%); highest among the groups gnomAD compares: East Asian, 0.047%; no homozygotes.

Submissions (4):

Blueprint Genetics
Classification: Uncertain significance. Last evaluated: 2024-08-08. Review status: criteria provided, single submitter. Criteria: ACMG Guidelines, 2015. Collection method: clinical testing. Allele origin: germline.

Labcorp Genetics (formerly Invitae), Labcorp
Classification: Uncertain significance. Last evaluated: 2022-06-10. Review status: criteria provided, single submitter. Criteria: Invitae Variant Classification Sherloc (09022015). Collection method: clinical testing. Allele origin: germline.
Comment: This sequence change replaces arginine, which is basic and polar, with glutamine, which is neutral and polar, at codon 284 of the TNFSF11 protein (p.Arg284Gln). This variant is present in population databases (rs61761332, gnomAD 0.1%). This variant has not been reported in the literature in individuals affected with TNFSF11-related conditions. ClinVar contains an entry for this variant (Variation ID: 498497). Algorithms developed to predict the effect of missense changes on protein structure and function (SIFT, PolyPhen-2, Align-GVGD) all suggest that this variant is likely to be tolerated. In summary, the available evidence is currently insufficient to determine the role of this variant in disease. Therefore, it has been classified as a Variant of Uncertain Significance.

Illumina Laboratory Services, Illumina
Classification: Uncertain significance for Autosomal recessive osteopetrosis 2. Last evaluated: 2018-01-12. Review status: criteria provided, single submitter. Criteria: ICSL Variant Classification Criteria 13 December 2019. Collection method: clinical testing. Allele origin: germline.

Eurofins Ntd Llc (ga)
Classification: Uncertain significance. Last evaluated: 2016-12-15. Review status: criteria provided, single submitter. Criteria: EGL Classification Definitions 2015. Collection method: clinical testing. Allele origin: germline. Observed: 1 variant allele, 1 heterozygote.

NM_003701.4(TNFSF11):c.851G>A (p.Arg284Gln)

Gene: TNFSF11 (TNF superfamily member 11; plus strand). Cytogenetic location: 13q14.11.
Variant type: single nucleotide variant.
Coding change: c.851G>A on transcript NM_003701.4 (MANE Select); coding-DNA position 851, G replaced by A.
Protein change: p.Arg284Gln; replaces arginine 284 with glutamine.
Molecular consequence: missense variant.
Genome position (GRCh38, 1-based): chr13:42,606,815, G>A. VCF-style: chr13-42606815-G-A. GRCh37 (hg19) VCF-style: chr13-43180951-G-A.
Other names: c.632G>A, p.Arg211Gln (NM_033012.4); short protein forms R211Q, R284Q.
Identifiers: ClinVar variation 498497 (VCV000498497.11), dbSNP rs61761332, ClinGen allele CA6967308.